The following is an entry in ClinVar:

NM_004446.3(EPRS1):c.3939T>C (p.Asn1313=)

Gene: EPRS1 (glutamyl-prolyl-tRNA synthetase 1; minus strand). Cytogenetic location: 1q41.
Variant type: single nucleotide variant.
Coding change: c.3939T>C on transcript NM_004446.3 (MANE Select); coding-DNA position 3939, T replaced by C.
Protein change: p.Asn1313=; no amino-acid change (asparagine 1313 retained).
Molecular consequence: synonymous variant.
Genome position (GRCh38, 1-based): chr1:219,978,690, A>G on the plus strand (T>C on the coding strand, the complement: EPRS1 is on the minus strand). VCF-style: chr1-219978690-A-G. GRCh37 (hg19) VCF-style: chr1-220152032-A-G.
Identifiers: ClinVar variation 4991949 (VCV004991949.1).

ClinVar aggregate classification (germline): Likely benign (1 of 4 stars; one submission).

Conditions:
EPRS1-related disorder. Also called: EPRS1-related condition.

gnomAD v4.1: 7 of 1,612,044 alleles (0.00043%); highest among the groups gnomAD compares: South Asian, 0.0066%; no homozygotes.

Submission:

PreventionGenetics, part of Exact Sciences
Classification: Likely benign for EPRS1-related condition. Last evaluated: 2025-12-15. Review status: criteria provided, single submitter. Criteria: ACMG Guidelines, 2015. Collection method: clinical testing. Allele origin: germline.
Comment: This variant is classified as likely benign based on ACMG/AMP sequence variant interpretation guidelines (Richards et al. 2015 PMID: 25741868, with internal and published modifications).